The following is an entry in ClinVar:

NM_005560.6(LAMA5):c.1871A>G (p.His624Arg)

Gene: LAMA5 (laminin subunit alpha 5; minus strand). Cytogenetic location: 20q13.33.
Variant type: single nucleotide variant.
Coding change: c.1871A>G on transcript NM_005560.6 (MANE Select); coding-DNA position 1871, A replaced by G.
Protein change: p.His624Arg; replaces histidine 624 with arginine.
Molecular consequence: missense variant.
Genome position (GRCh38, 1-based): chr20:62,338,036, T>C on the plus strand (A>G on the coding strand, the complement: LAMA5 is on the minus strand). VCF-style: chr20-62338036-T-C. GRCh37 (hg19) VCF-style: chr20-60913092-T-C.
Other names: short protein forms H624R.
Identifiers: ClinVar variation 1895537 (VCV001895537.5), dbSNP rs753518311, ClinGen allele CA9943727.

ClinVar aggregate classification (germline): Uncertain significance (1 of 4 stars; one submission).

Allele frequency attached by ClinVar (database versions not stated): ExAC 0.00001; gnomAD 0.00001; gnomAD exomes 0.00001; TOPMed 0.00003.
gnomAD v4.1: 10 of 1,599,636 alleles (0.00063%); highest among the groups gnomAD compares: African/African-American, 0.0027%; no homozygotes.

Submission:

Labcorp Genetics (formerly Invitae), Labcorp
Classification: Uncertain significance. Last evaluated: 2022-05-03. Review status: criteria provided, single submitter. Criteria: Invitae Variant Classification Sherloc (09022015). Collection method: clinical testing. Allele origin: germline.
Comment: In summary, the available evidence is currently insufficient to determine the role of this variant in disease. Therefore, it has been classified as a Variant of Uncertain Significance. This sequence change replaces histidine, which is basic and polar, with arginine, which is basic and polar, at codon 624 of the LAMA5 protein (p.His624Arg). The frequency data for this variant in the population databases is considered unreliable, as metrics indicate poor data quality at this position in the gnomAD database. This variant has not been reported in the literature in individuals affected with LAMA5-related conditions. Algorithms developed to predict the effect of missense changes on protein structure and function are either unavailable or do not agree on the potential impact of this missense change (SIFT: "Deleterious"; PolyPhen-2: "Probably Damaging"; Align-GVGD: "Class C0").